The following is an entry in ClinVar:

ClinVar aggregate classification (germline): Likely pathogenic (1 of 4 stars; one submission).

gnomAD v4.1: 2 of 1,612,992 alleles (0.00012%); highest among the groups gnomAD compares: Non-Finnish European, 0.00017%; no homozygotes.

Submission:

Labcorp Genetics (formerly Invitae), Labcorp
Classification: Likely pathogenic. Last evaluated: 2025-11-15. Review status: criteria provided, single submitter. Criteria: Invitae Variant Classification Sherloc (09022015). Collection method: clinical testing. Allele origin: germline.
Comment: This sequence change affects a donor splice site in intron 11 of the PKD1L1 gene. It is expected to disrupt RNA splicing. Variants that disrupt the donor or acceptor splice site typically lead to a loss of protein function (PMID: 16199547), and loss-of-function variants in PKD1L1 are known to be pathogenic (PMID: 27616478). This variant is not present in population databases (gnomAD no frequency). This variant has not been reported in the literature in individuals affected with PKD1L1-related conditions. Algorithms developed to predict the effect of sequence changes on RNA splicing suggest that this variant may disrupt the consensus splice site. In summary, the currently available evidence indicates that the variant is pathogenic, but additional data are needed to prove that conclusively. Therefore, this variant has been classified as Likely Pathogenic.

Literature cited by the submitters: PubMed 16199547; PubMed 27616478.

NM_138295.5(PKD1L1):c.1691+2T>G

Gene: PKD1L1 (polycystin 1 like 1, transient receptor potential channel interacting; minus strand). Cytogenetic location: 7p12.3.
Variant type: single nucleotide variant.
Coding change: c.1691+2T>G on transcript NM_138295.5 (MANE Select); the canonical splice donor site of the intron after coding-DNA position 1691, T replaced by G.
Molecular consequence: splice donor variant.
Genome position (GRCh38, 1-based): chr7:47,905,155, A>C on the plus strand (T>G on the coding strand, the complement: PKD1L1 is on the minus strand). VCF-style: chr7-47905155-A-C. GRCh37 (hg19) VCF-style: chr7-47944752-A-C.
Identifiers: ClinVar variation 4759670 (VCV004759670.1), dbSNP rs1453356354.
Genomic context (GRCh38, chr7:47,905,155, plus strand): 5'-TTCAGACTGAGTATAGGCTGCAGTACAAACAGCTACTCAGCAGGACTGCTACTTTTACTG[A>C]CCATTGGGGGATGCTGAGTCTTTTTTTAATGCTTCTTGAAGTTGTCCTCACTGGTGGATC-3'